The following is an entry in ClinVar:

ClinVar aggregate classification (germline): Uncertain significance (1 of 4 stars; one submission).

Allele frequency attached by ClinVar (database versions not stated): gnomAD exomes below 0.00001.
gnomAD v4.1: 1 of 1,613,860 alleles (0.000062%); highest among the groups gnomAD compares: Admixed American, 0.0017%; no homozygotes.

Submission:

Labcorp Genetics (formerly Invitae), Labcorp
Classification: Uncertain significance. Last evaluated: 2023-10-02. Review status: criteria provided, single submitter. Criteria: Invitae Variant Classification Sherloc (09022015). Collection method: clinical testing. Allele origin: germline.
Comment: This sequence change replaces leucine, which is neutral and non-polar, with glutamine, which is neutral and polar, at codon 71 of the ADIPOR1 protein (p.Leu71Gln). This variant is not present in population databases (gnomAD no frequency). This variant has not been reported in the literature in individuals affected with ADIPOR1-related conditions. An algorithm developed to predict the effect of missense changes on protein structure and function (PolyPhen-2) suggests that this variant is likely to be disruptive. In summary, the available evidence is currently insufficient to determine the role of this variant in disease. Therefore, it has been classified as a Variant of Uncertain Significance.

NM_015999.6(ADIPOR1):c.212T>A (p.Leu71Gln)

Gene: ADIPOR1 (adiponectin receptor 1; minus strand). Cytogenetic location: 1q32.1.
Variant type: single nucleotide variant.
Coding change: c.212T>A on transcript NM_015999.6 (MANE Select); coding-DNA position 212, T replaced by A.
Protein change: p.Leu71Gln; replaces leucine 71 with glutamine.
Molecular consequence: missense variant.
Genome position (GRCh38, 1-based): chr1:202,948,350, A>T on the plus strand (T>A on the coding strand, the complement: ADIPOR1 is on the minus strand). VCF-style: chr1-202948350-A-T. GRCh37 (hg19) VCF-style: chr1-202917478-A-T.
Other names: c.212T>A, p.Leu71Gln (NM_001127687.1, NM_001290553.2, NM_001290557.1 and 1 more transcripts); short protein forms L71Q.
Identifiers: ClinVar variation 2850876 (VCV002850876.3), dbSNP rs2527477073, ClinGen allele CA344283459.